The following is an entry in ClinVar:

NM_015599.3(PGM3):c.1145C>G (p.Ala382Gly)

Gene: PGM3 (phosphoglucomutase 3; minus strand). Cytogenetic location: 6q14.1.
Variant type: single nucleotide variant.
Coding change: c.1145C>G on transcript NM_015599.3 (MANE Select); coding-DNA position 1145, C replaced by G.
Protein change: p.Ala382Gly; replaces alanine 382 with glycine.
Molecular consequence: missense variant. On other transcripts: non-coding transcript variant (1).
Genome position (GRCh38, 1-based): chr6:83,174,471, G>C on the plus strand (C>G on the coding strand, the complement: PGM3 is on the minus strand). VCF-style: chr6-83174471-G-C. GRCh37 (hg19) VCF-style: chr6-83884190-G-C.
Other names: c.1229C>G, p.Ala410Gly (NM_001199917.2, NM_001367287.1); c.902C>G, p.Ala301Gly (NM_001199918.2); c.1145C>G, p.Ala382Gly (NM_001199919.2, NM_001367286.1); short protein forms A301G, A382G, A410G.
Identifiers: ClinVar variation 1488177 (VCV001488177.6), dbSNP rs2128489483, ClinGen allele CA364880018.

ClinVar aggregate classification (germline): Uncertain significance (1 of 4 stars; one submission).

Conditions:
Immunodeficiency 23 (IMD23). Also called: IMMUNODEFICIENCY WITH HYPER IgE AND COGNITIVE IMPAIRMENT; IMMUNODEFICIENCY-VASCULITIS-MYOCLONUS SYNDROME. Identifiers: Orphanet 443811, MedGen C4014371, MONDO:0014353, OMIM 615816.

Submission:

Labcorp Genetics (formerly Invitae), Labcorp
Classification: Uncertain significance for Immunodeficiency 23. Last evaluated: 2021-08-12. Review status: criteria provided, single submitter. Criteria: Invitae Variant Classification Sherloc (09022015). Collection method: clinical testing. Allele origin: germline.
Comment: In summary, the available evidence is currently insufficient to determine the role of this variant in disease. Therefore, it has been classified as a Variant of Uncertain Significance. Algorithms developed to predict the effect of sequence changes on RNA splicing suggest that this variant may create or strengthen a splice site. Algorithms developed to predict the effect of missense changes on protein structure and function (SIFT, PolyPhen-2, Align-GVGD) all suggest that this variant is likely to be tolerated. This variant has not been reported in the literature in individuals affected with PGM3-related conditions. This variant is not present in population databases (ExAC no frequency). This sequence change replaces alanine with glycine at codon 410 of the PGM3 protein (p.Ala410Gly). The alanine residue is moderately conserved and there is a small physicochemical difference between alanine and glycine.